The following is an entry in ClinVar:

ClinVar aggregate classification (germline): Pathogenic. Review status: criteria provided, multiple submitters, no conflicts (2 of 4 stars). 2 submissions from 2 submitters: Pathogenic (2). Last evaluated 2024-05-24.

Conditions:
Cystic fibrosis (CF). Also called: MUCOVISCIDOSIS. Identifiers: Orphanet 586, MedGen C0010674, MONDO:0009061, OMIM 219700. Disease mechanism: loss of function.
CFTR-related disorder (CFTR-RD). Also called: CFTR-related condition; CFTR-related disorders. Identifiers: MedGen C5924204, MONDO:7770004.

Submissions (2):

Natera, Inc.
Classification: Pathogenic for CFTR-related disorders. Last evaluated: 2024-05-24. Review status: criteria provided, single submitter. Criteria: Natera Variant Classification Schema (03/2026). Collection method: clinical testing. Allele origin: germline.
Comment: The c.330C>G variant in CFTR is a missense variant predicted to cause substitution of aspartic acid to glutamic acid at amino acid 110. This variant is rare in the general population with a frequency below the threshold expected for the associated phenotype(s). This variant has been observed in one or more individuals affected with the associated recessive disease, as either homozygous or compound heterozygous with a second variant (PMID: 20538955, 11810271, 10790222). Functional studies show that this variant may disrupt protein function (PMID: 23891399). A different variant at the same position has been determined to be Pathogenic or Likely Pathogenic. Computational prediction algorithms indicate this variant is likely to affect gene or protein function. Given the available evidence, this variant is classified as Pathogenic.

Labcorp Genetics (formerly Invitae), Labcorp
Classification: Pathogenic for Cystic fibrosis. Last evaluated: 2022-11-01. Review status: criteria provided, single submitter. Criteria: Invitae Variant Classification Sherloc (09022015). Collection method: clinical testing. Allele origin: germline.
Comment: For these reasons, this variant has been classified as Pathogenic. This variant disrupts the p.Asp110 amino acid residue in CFTR. Other variant(s) that disrupt this residue have been determined to be pathogenic (PMID: 9272157, 18373402, 19897426, 22724884). This suggests that this residue is clinically significant, and that variants that disrupt this residue are likely to be disease-causing. Advanced modeling of protein sequence and biophysical properties (such as structural, functional, and spatial information, amino acid conservation, physicochemical variation, residue mobility, and thermodynamic stability) performed at Invitae indicates that this missense variant is not expected to disrupt CFTR protein function. A different variant (c.330C>A) giving rise to the same protein effect has been determined to be pathogenic (PMID: 10790222, 11883825, 23891399, 29805046). This suggests that this variant is also likely to be causative of disease. This variant is not present in population databases (gnomAD no frequency). This sequence change replaces aspartic acid, which is acidic and polar, with glutamic acid, which is acidic and polar, at codon 110 of the CFTR protein (p.Asp110Glu).

Literature cited by the submitters: PubMed 20538955 (cited by Natera, Inc.); PubMed 11810271 (cited by Natera, Inc.); PubMed 10790222 (cited by Natera, Inc. and Labcorp Genetics (formerly Invitae), Labcorp); PubMed 23891399 (cited by Natera, Inc. and Labcorp Genetics (formerly Invitae), Labcorp); PubMed 9272157 (cited by Labcorp Genetics (formerly Invitae), Labcorp); PubMed 18373402 (cited by Labcorp Genetics (formerly Invitae), Labcorp); PubMed 19897426 (cited by Labcorp Genetics (formerly Invitae), Labcorp); PubMed 22724884 (cited by Labcorp Genetics (formerly Invitae), Labcorp); PubMed 11883825 (cited by Labcorp Genetics (formerly Invitae), Labcorp); PubMed 29805046 (cited by Labcorp Genetics (formerly Invitae), Labcorp).

NM_000492.4(CFTR):c.330C>G (p.Asp110Glu)

Gene: CFTR (CF transmembrane conductance regulator; plus strand). Cytogenetic location: 7q31.2.
Variant type: single nucleotide variant.
Coding change: c.330C>G on transcript NM_000492.4 (MANE Select); coding-DNA position 330, C replaced by G.
Protein change: p.Asp110Glu; replaces aspartic acid 110 with glutamic acid.
Molecular consequence: missense variant.
Genome position (GRCh38, 1-based): chr7:117,530,955, C>G. VCF-style: chr7-117530955-C-G. GRCh37 (hg19) VCF-style: chr7-117171009-C-G.
Other names: short protein forms D110E.
Identifiers: ClinVar variation 3019253 (VCV003019253.4), dbSNP rs397508537, ClinGen allele CA368974391.